The following is an entry in ClinVar:

ClinVar aggregate classification (germline): Uncertain significance. Review status: criteria provided, multiple submitters, no conflicts (2 of 4 stars). 2 submissions from 2 submitters: Uncertain significance (2). Last evaluated 2025-11-20.

Allele frequency attached by ClinVar (database versions not stated): TOPMed 0.00001; gnomAD exomes 0.00002.
gnomAD v4.1: 9 of 1,614,222 alleles (0.00056%); highest among the groups gnomAD compares: Non-Finnish European, 0.00076%; 1 homozygote.

Submissions (2):

Ambry Genetics
Classification: Uncertain significance. Last evaluated: 2025-11-20. Review status: criteria provided, single submitter. Criteria: Ambry Variant Classification Scheme 2023. Collection method: clinical testing. Allele origin: germline.

CeGaT Center for Human Genetics Tuebingen
Classification: Uncertain significance. Last evaluated: 2022-04-01. Review status: criteria provided, single submitter. Criteria: CeGaT Center For Human Genetics Tuebingen Variant Classification Criteria Version 2. Collection method: clinical testing. Allele origin: germline. Affected: yes. Observed: 1 variant allele.
Comment: LAMC1: PM2

NM_002293.4(LAMC1):c.3051A>C (p.Glu1017Asp)

Gene: LAMC1 (laminin subunit gamma 1; plus strand). Cytogenetic location: 1q25.3.
Variant type: single nucleotide variant.
Coding change: c.3051A>C on transcript NM_002293.4 (MANE Select); coding-DNA position 3051, A replaced by C.
Protein change: p.Glu1017Asp; replaces glutamic acid 1017 with aspartic acid.
Molecular consequence: missense variant.
Genome position (GRCh38, 1-based): chr1:183,127,332, A>C. VCF-style: chr1-183127332-A-C. GRCh37 (hg19) VCF-style: chr1-183096467-A-C.
Other names: c.3051A>C (NM_002293.3); short protein forms E1017D.
Identifiers: ClinVar variation 2639626 (VCV002639626.24), dbSNP rs1656647642, ClinGen allele CA343674901.